The following is an entry in ClinVar:

ClinVar aggregate classification (germline): Uncertain significance (1 of 4 stars; one submission).

gnomAD v4.1: 8 of 1,613,920 alleles (0.0005%); highest among the groups gnomAD compares: South Asian, 0.0033%; no homozygotes.

Submission:

Labcorp Genetics (formerly Invitae), Labcorp
Classification: Uncertain significance. Last evaluated: 2025-10-29. Review status: criteria provided, single submitter. Criteria: Invitae Variant Classification Sherloc (09022015). Collection method: clinical testing. Allele origin: germline.
Comment: This sequence change replaces arginine, which is basic and polar, with histidine, which is basic and polar, at codon 1686 of the KMT2A protein (p.Arg1686His). This variant is not present in population databases (gnomAD no frequency). This missense change has been observed in individual(s) with neurodevelopmental disorders (PMID: 33004838). Invitae Evidence Modeling of protein sequence and biophysical properties (such as structural, functional, and spatial information, amino acid conservation, physicochemical variation, residue mobility, and thermodynamic stability) has been performed for this missense variant. However, the output from this modeling did not meet the statistical confidence thresholds required to predict the impact of this variant on KMT2A protein function. In summary, the available evidence is currently insufficient to determine the role of this variant in disease. Therefore, it has been classified as a Variant of Uncertain Significance.

Literature cited by the submitters: PubMed 33004838.

NM_001197104.2(KMT2A):c.5057G>A (p.Arg1686His)

Gene: KMT2A (lysine methyltransferase 2A; plus strand). Cytogenetic location: 11q23.3.
Variant type: single nucleotide variant.
Coding change: c.5057G>A on transcript NM_001197104.2 (MANE Select); coding-DNA position 5057, G replaced by A.
Protein change: p.Arg1686His; replaces arginine 1686 with histidine.
Molecular consequence: missense variant.
Genome position (GRCh38, 1-based): chr11:118,493,109, G>A. VCF-style: chr11-118493109-G-A. GRCh37 (hg19) VCF-style: chr11-118363824-G-A.
Other names: c.5147G>A, p.Arg1716His (NM_001412597.1); c.5048G>A, p.Arg1683His (NM_005933.4); short protein forms R1716H, R1683H, R1686H.
Identifiers: ClinVar variation 4755262 (VCV004755262.1).